The following is an entry in ClinVar:

ClinVar aggregate classification (germline): Pathogenic (1 of 4 stars; one submission).

Submission:

Labcorp Genetics (formerly Invitae), Labcorp
Classification: Pathogenic. Last evaluated: 2022-11-06. Review status: criteria provided, single submitter. Criteria: Invitae Variant Classification Sherloc (09022015). Collection method: clinical testing. Allele origin: germline.
Comment: This sequence change affects an acceptor splice site in intron 1 of the LMX1B gene. It is expected to disrupt RNA splicing. Variants that disrupt the donor or acceptor splice site typically lead to a loss of protein function (PMID: 16199547), and loss-of-function variants in LMX1B are known to be pathogenic (PMID: 9590287, 15498463). For these reasons, this variant has been classified as Pathogenic. Algorithms developed to predict the effect of sequence changes on RNA splicing suggest that this variant may disrupt the consensus splice site. This variant is also known as 71-1G>A. Disruption of this splice site has been observed in individuals with nail-patella syndrome (PMID: 9837817, 19194568). This variant is not present in population databases (gnomAD no frequency).

Literature cited by the submitters: PubMed 16199547; PubMed 9590287; PubMed 15498463; PubMed 9837817; PubMed 19194568.

NM_001174147.2(LMX1B):c.140-1G>A

Gene: LMX1B (LIM homeobox transcription factor 1 beta; plus strand). Cytogenetic location: 9q33.3.
Variant type: single nucleotide variant.
Coding change: c.140-1G>A on transcript NM_001174147.2 (MANE Select); the canonical splice acceptor site of the intron before coding-DNA position 140, G replaced by A.
Molecular consequence: splice acceptor variant.
Genome position (GRCh38, 1-based): chr9:126,615,382, G>A. VCF-style: chr9-126615382-G-A. GRCh37 (hg19) VCF-style: chr9-129377661-G-A.
Other names: c.140-1G>A (NM_001174146.2, NM_002316.4).
Identifiers: ClinVar variation 2735326 (VCV002735326.3), dbSNP rs2490517427, ClinGen allele CA374909836.
Genomic context (GRCh38, chr9:126,615,382, plus strand): 5'-CGGGACGCCGGGGCTGGGCCGGGCGGCGCTGACGGCCGGGCTTTCGCCCTGTGCGCTACA[G>A]GCTCCGACTGCCCGCATCCCGCCGTCTGCGAGGGCTGCCAGCGGCCCATCTCCGACCGCT-3'